The following is an entry in ClinVar:

NM_001370259.2(MEN1):c.1391_1392insCAGAGGCCGAGGC (p.Ala465fs)

Gene: MEN1 (menin 1; minus strand). Cytogenetic location: 11q13.1.
Variant type: Insertion.
Coding change: c.1391_1392insCAGAGGCCGAGGC on transcript NM_001370259.2 (MANE Select); coding-DNA positions 1391 to 1392, CAGAGGCCGAGGC inserted.
Protein change: p.Ala465fs; shifts the reading frame from alanine 465.
Molecular consequence: frameshift variant.
Genome position: GRCh38 VCF-style: chr11-64804775-C-CGCCTCGGCCTCTG. GRCh37 (hg19) VCF-style: chr11-64572247-C-CGCCTCGGCCTCTG.
Other names: c.1406_1407insCAGAGGCCGAGGC, p.Ala470fs (NM_000244.4, NM_130800.3, NM_130801.3 and 3 more transcripts); c.1517_1518insCAGAGGCCGAGGC, p.Ala507fs (NM_001370251.2); c.1391_1392insCAGAGGCCGAGGC, p.Ala465fs (NM_001370260.2, NM_001370261.2, NM_130799.3); c.1286_1287insCAGAGGCCGAGGC, p.Ala430fs (NM_001370262.2, NM_001370263.2); c.1505_1506insAGAGGCCGAGGCC, p.Ala507Argfs (NM_001407142.1, NM_001407143.1, NM_001407144.1); c.1394_1395insAGAGGCCGAGGCC, p.Ala470Argfs (NM_001407145.1); c.1379_1380insAGAGGCCGAGGCC, p.Ala465Argfs (NM_001407146.1, NM_001407147.1); c.1274_1275insAGAGGCCGAGGCC, p.Ala430Argfs (NM_001407148.1, NM_001407149.1); and 3 more; short protein forms A465fs, A430fs, A470fs, A507fs.
Identifiers: ClinVar variation 2003707 (VCV002003707.4), dbSNP rs2497129863, ClinGen allele CA2580084433.

ClinVar aggregate classification (germline): Pathogenic (1 of 4 stars; one submission).

Conditions:
Multiple endocrine neoplasia, type 1 (MEN1). Also called: WERMER SYNDROME; Endocrine adenomatosis multiple; MEN 1; MEN I; MEA I. Identifiers: Orphanet 652, MedGen C0025267, MeSH D018761, MONDO:0007540, OMIM 131100.

Submission:

Labcorp Genetics (formerly Invitae), Labcorp
Classification: Pathogenic for Multiple endocrine neoplasia, type 1. Last evaluated: 2022-06-09. Review status: criteria provided, single submitter. Criteria: Invitae Variant Classification Sherloc (09022015). Collection method: clinical testing. Allele origin: germline.
Comment: This sequence change creates a premature translational stop signal (p.Ala465Argfs*70) in the MEN1 gene. While this is not anticipated to result in nonsense mediated decay, it is expected to disrupt the last 146 amino acid(s) of the MEN1 protein. This variant is not present in population databases (gnomAD no frequency). For these reasons, this variant has been classified as Pathogenic. This variant disrupts a region of the MEN1 protein in which other variant(s) (p.Arg516Glyfs*43) have been determined to be pathogenic (PMID: 9215689, 12112656, 12213668, 15670192, 17065424, 17853334, 17879353, 23321498). This suggests that this is a clinically significant region of the protein, and that variants that disrupt it are likely to be disease-causing. This variant has not been reported in the literature in individuals affected with MEN1-related conditions.

Literature cited by the submitters: PubMed 9215689; PubMed 12112656; PubMed 12213668; PubMed 15670192; PubMed 17065424; PubMed 17853334; PubMed 17879353; PubMed 23321498.